The following is an entry in ClinVar:

ClinVar aggregate classification (germline): Uncertain significance. Review status: criteria provided, multiple submitters, no conflicts (2 of 4 stars). 2 submissions from 2 submitters: Uncertain significance (2). Last evaluated 2026-04-07.

Conditions:
Developmental and epileptic encephalopathy, 14 (DEE14). Also called: Early infantile epileptic encephalopathy 14. Identifiers: Orphanet 293181, MedGen C3554195, MONDO:0013989, OMIM 614959.
Autosomal dominant nocturnal frontal lobe epilepsy 5. Also called: KCNT1-Related Epilepsy; Epilepsy, nocturnal frontal lobe, 5; CILIARY DYSKINESIA, PRIMARY, 28, WITHOUT SITUS INVERSUS; CILIARY DYSKINESIA, PRIMARY, 28, WITH SITUS INVERSUS. Identifiers: Orphanet 98784, MedGen C3554306, MONDO:0014002, OMIM 615005.

gnomAD v4.1: 5 of 1,611,384 alleles (0.00031%); highest among the groups gnomAD compares: African/African-American, 0.0013%; no homozygotes.

Submissions (2):

GeneDx
Classification: Uncertain significance. Last evaluated: 2026-04-07. Review status: criteria provided, single submitter. Criteria: GeneDx Variant Classification Process June 2021. Collection method: clinical testing. Allele origin: germline.
Comment: Not observed at significant frequency in large population cohorts (gnomAD); In silico analysis supports that this missense variant has a deleterious effect on protein structure/function; Has not been previously published as pathogenic or benign to our knowledge

Labcorp Genetics (formerly Invitae), Labcorp
Classification: Uncertain significance for Autosomal dominant nocturnal frontal lobe epilepsy 5; Developmental and epileptic encephalopathy, 14. Last evaluated: 2024-09-10. Review status: criteria provided, single submitter. Criteria: Invitae Variant Classification Sherloc (09022015). Collection method: clinical testing. Allele origin: germline.
Comment: This sequence change replaces histidine, which is basic and polar, with glutamine, which is neutral and polar, at codon 586 of the KCNT1 protein (p.His586Gln). This variant is not present in population databases (gnomAD no frequency). This variant has not been reported in the literature in individuals affected with KCNT1-related conditions. ClinVar contains an entry for this variant (Variation ID: 1435072). Invitae Evidence Modeling of protein sequence and biophysical properties (such as structural, functional, and spatial information, amino acid conservation, physicochemical variation, residue mobility, and thermodynamic stability) indicates that this missense variant is not expected to disrupt KCNT1 protein function with a negative predictive value of 80%. In summary, the available evidence is currently insufficient to determine the role of this variant in disease. Therefore, it has been classified as a Variant of Uncertain Significance.

NM_020822.3(KCNT1):c.1758C>A (p.His586Gln)

Gene: KCNT1 (potassium sodium-activated channel subfamily T member 1; plus strand). Cytogenetic location: 9q34.3.
Variant type: single nucleotide variant.
Coding change: c.1758C>A on transcript NM_020822.3 (MANE Select); coding-DNA position 1758, C replaced by A.
Protein change: p.His586Gln; replaces histidine 586 with glutamine.
Molecular consequence: missense variant.
Genome position (GRCh38, 1-based): chr9:135,770,436, C>A. VCF-style: chr9-135770436-C-A. GRCh37 (hg19) VCF-style: chr9-138662282-C-A.
Other names: c.1623C>A, p.His541Gln (NM_001272003.2); c.1758C>A (NM_020822.2); short protein forms H541Q, H586Q.
Identifiers: ClinVar variation 1435072 (VCV001435072.7), dbSNP rs142760483, ClinGen allele CA375506846.